The following is an entry in ClinVar:

ClinVar aggregate classification (germline): Benign/Likely benign. Review status: criteria provided, multiple submitters, no conflicts (2 of 4 stars). 3 submissions from 3 submitters: Benign (1); Likely benign (2). Last evaluated 2025-02-06.

Conditions:
Prostate cancer, hereditary, 9 (HPC9). Identifiers: Orphanet 1331, MedGen C1970250, MONDO:0012597, OMIM 610997.
Hereditary cancer-predisposing syndrome. Also called: Tumor predisposition; Neoplastic Syndromes, Hereditary; Hereditary Cancer Syndrome; Hereditary neoplastic syndrome. Identifiers: Orphanet 140162, MedGen C0027672, MeSH D009386, MONDO:0015356.

Submissions (3):

Labcorp Genetics (formerly Invitae), Labcorp
Classification: Likely benign. Last evaluated: 2025-02-06. Review status: criteria provided, single submitter. Criteria: Invitae Variant Classification Sherloc (09022015). Collection method: clinical testing. Allele origin: germline.

Myriad Genetics, Inc.
Classification: Benign for Prostate cancer, hereditary, 9. Last evaluated: 2024-10-29. Review status: criteria provided, single submitter. Criteria: Myriad Autosomal Dominant, Autosomal Recessive and X-Linked Classification Criteria (2023). Collection method: clinical testing. Allele origin: unknown.
Comment: This variant is considered benign. This variant is a silent/synonymous amino acid change and it is not expected to impact splicing.

Ambry Genetics
Classification: Likely benign for Hereditary cancer-predisposing syndrome. Last evaluated: 2022-02-12. Review status: criteria provided, single submitter. Criteria: Ambry Variant Classification Scheme 2023. Collection method: clinical testing. Allele origin: germline.

NM_006361.6(HOXB13):c.321C>T (p.Ala107=)

Gene: HOXB13 (homeobox B13; minus strand). Cytogenetic location: 17q21.32.
Variant type: single nucleotide variant.
Coding change: c.321C>T on transcript NM_006361.6 (MANE Select); coding-DNA position 321, C replaced by T.
Protein change: p.Ala107=; no amino-acid change (alanine 107 retained).
Molecular consequence: synonymous variant.
Genome position (GRCh38, 1-based): chr17:48,728,273, G>A on the plus strand (C>T on the coding strand, the complement: HOXB13 is on the minus strand). VCF-style: chr17-48728273-G-A. GRCh37 (hg19) VCF-style: chr17-46805635-G-A.
Identifiers: ClinVar variation 1729051 (VCV001729051.6), dbSNP rs1555558636, ClinGen allele CA500661915.
Genomic context (GRCh38, chr17:48,728,273, plus strand): 5'-AAACTCAGTGGGGCGGCTGGGGTACTCTTCCCCGGCCGTGGGAGTCTCCGCGGGGTACGC[G>A]GCCAGGGTGGCTGCCTGGGCACAGGGTTTCAGCGAGCTCCGGGACACTCGGCAGGAGTAG-3'
Protein context (NP_006352.2, residues 97-117): LKPCAQAATL[Ala107=]AYPAETPTAG